The following is an entry in ClinVar:

ClinVar aggregate classification (germline): Pathogenic/Likely pathogenic. Review status: criteria provided, multiple submitters, no conflicts (2 of 4 stars). 3 submissions from 3 submitters: Pathogenic (1); Likely pathogenic (2). Last evaluated 2024-05-08.

Conditions:
USH2A-related disorder. Also called: USH2A-related disorders; USH2A-related condition. Identifiers: MedGen CN239332.
Retinitis pigmentosa 39 (RP39). Identifiers: Orphanet 791, MedGen C3151138, MONDO:0013436, OMIM 613809.

Allele frequency attached by ClinVar (database versions not stated): ExAC 0.00001; gnomAD exomes below 0.00001.
gnomAD v4.1: 1 of 1,613,786 alleles (0.000062%); highest among the groups gnomAD compares: South Asian, 0.0011%; no homozygotes.

Submissions (3):

Myriad Genetics, Inc.
Classification: Pathogenic for USH2A-related disorder. Last evaluated: 2024-05-08. Review status: criteria provided, single submitter. Criteria: Myriad Autosomal Dominant, Autosomal Recessive and X-Linked Classification Criteria (2023). Collection method: clinical testing. Allele origin: unknown.
Comment: NM_206933.2(USH2A):c.6267T>A(C2089*) is expected to be pathogenic in the context of USH2A-related disorders. This variant is predicted to lead to an abnormal or absent protein product due to the creation of a premature termination codon in USH2A, a gene where loss-of-function variants are known to be pathogenic. Please note: this variant was assessed in the context of healthy population screening.

Ocular Genomics Institute, Massachusetts Eye and Ear
Classification: Likely pathogenic for Retinitis pigmentosa 39. Last evaluated: 2021-04-08. Review status: criteria provided, single submitter. Criteria: ACMG Guidelines, 2015. Collection method: research. Allele origin: germline. Affected: yes.
Comment: Through a review of available evidence we were able to apply the following criteria: PVS1, PM2. Based on this evidence we have classified this variant as Likely Pathogenic.

Blueprint Genetics
Classification: Likely pathogenic for USH2A-related disorders. Last evaluated: 2017-06-12. Review status: criteria provided, single submitter. Criteria: ACMG Guidelines, 2015. Collection method: clinical testing. Allele origin: germline. Affected: yes. Observed: 1 variant allele.

NM_206933.4(USH2A):c.6267T>A (p.Cys2089Ter)

Gene: USH2A (usherin; minus strand). Cytogenetic location: 1q41.
Variant type: single nucleotide variant.
Coding change: c.6267T>A on transcript NM_206933.4 (MANE Select); coding-DNA position 6267, T replaced by A.
Protein change: p.Cys2089Ter; replaces cysteine 2089 with a stop codon.
Molecular consequence: nonsense.
Genome position (GRCh38, 1-based): chr1:216,046,489, A>T on the plus strand (T>A on the coding strand, the complement: USH2A is on the minus strand). VCF-style: chr1-216046489-A-T. GRCh37 (hg19) VCF-style: chr1-216219831-A-T.
Other names: short protein forms C2089*.
Identifiers: ClinVar variation 1065754 (VCV001065754.3), dbSNP rs755646290, ClinGen allele CA1395185.